The following is an entry in ClinVar:

NM_001394062.1(MACF1):c.15478G>A (p.Glu5160Lys)

Gene: MACF1 (microtubule actin crosslinking factor 1; plus strand). Cytogenetic location: 1p34.3.
Variant type: single nucleotide variant.
Coding change: c.15478G>A on transcript NM_001394062.1 (MANE Select); coding-DNA position 15478, G replaced by A.
Protein change: p.Glu5160Lys; replaces glutamic acid 5160 with lysine.
Molecular consequence: missense variant.
Genome position (GRCh38, 1-based): chr1:39,388,320, G>A. VCF-style: chr1-39388320-G-A. GRCh37 (hg19) VCF-style: chr1-39853992-G-A.
Other names: c.9292G>A, p.Glu3098Lys (NM_012090.5); short protein forms E3098K, E5160K.
Identifiers: ClinVar variation 2638703 (VCV002638703.25), dbSNP rs181850215, ClinGen allele CA782406.

ClinVar aggregate classification (germline): Benign/Likely benign. Review status: criteria provided, multiple submitters, no conflicts (2 of 4 stars). 3 submissions from 3 submitters: Benign (1); Likely benign (1). 1 of the submissions does not count toward it. Last evaluated 2024-04-18.

Conditions:
MACF1-related disorder. Also called: MACF1-related condition.

Allele frequency attached by ClinVar (database versions not stated): gnomAD 0.00008; gnomAD exomes 0.00008; ExAC 0.00011; TOPMed 0.00011; 1000 Genomes Project 0.00020; 1000 Genomes Project 30x 0.00031.
gnomAD v4.1: 122 of 1,614,200 alleles (0.0076%); highest among the groups gnomAD compares: East Asian, 0.21%; no homozygotes.

Submissions (3):

Blueprint Genetics
Classification: Likely benign. Last evaluated: 2024-04-18. Review status: criteria provided, single submitter. Criteria: ACMG Guidelines, 2015. Collection method: clinical testing. Allele origin: germline.

CeGaT Center for Human Genetics Tuebingen
Classification: Benign. Last evaluated: 2022-03-01. Review status: criteria provided, single submitter. Criteria: CeGaT Center For Human Genetics Tuebingen Variant Classification Criteria Version 2. Collection method: clinical testing. Allele origin: germline. Affected: yes. Observed: 1 variant allele.
Comment: MACF1: BS1, BS2

PreventionGenetics, part of Exact Sciences
Classification: Likely benign for MACF1-related condition. Last evaluated: 2024-05-15. Review status: no assertion criteria provided. Collection method: clinical testing. Allele origin: germline. Not counted in ClinVar's aggregate classification.
Comment: This variant is classified as likely benign based on ACMG/AMP sequence variant interpretation guidelines (Richards et al. 2015 PMID: 25741868, with internal and published modifications).